The following is an entry in ClinVar:

ClinVar aggregate classification (germline): Uncertain significance (0 of 4 stars; one submission).

Conditions:
PCNT-related disorder. Also called: PCNT-related condition.

gnomAD v4.1: 20 of 1,613,784 alleles (0.0012%); highest among the groups gnomAD compares: East Asian, 0.0045%; no homozygotes.

Submission:

PreventionGenetics, part of Exact Sciences
Classification: Uncertain significance for PCNT-related condition. Last evaluated: 2024-04-10. Review status: no assertion criteria provided. Collection method: clinical testing. Allele origin: germline.
Comment: The PCNT c.3091C>T variant is predicted to result in the amino acid substitution p.Arg1031Trp. To our knowledge, this variant has not been reported in the literature. This variant is reported in 0.0065% of alleles in individuals of South Asian descent in gnomAD. At this time, the clinical significance of this variant is uncertain due to the absence of conclusive functional and genetic evidence.

NM_006031.6(PCNT):c.3091C>T (p.Arg1031Trp)

Gene: PCNT (pericentrin; plus strand). Cytogenetic location: 21q22.3.
Variant type: single nucleotide variant.
Coding change: c.3091C>T on transcript NM_006031.6 (MANE Select); coding-DNA position 3091, C replaced by T.
Protein change: p.Arg1031Trp; replaces arginine 1031 with tryptophan.
Molecular consequence: missense variant.
Genome position (GRCh38, 1-based): chr21:46,367,065, C>T. VCF-style: chr21-46367065-C-T. GRCh37 (hg19) VCF-style: chr21-47786980-C-T.
Other names: c.2737C>T, p.Arg913Trp (NM_001315529.2); short protein forms R1031W, R913W.
Identifiers: ClinVar variation 3354705 (VCV003354705.1).